The following is an entry in ClinVar:

NM_004946.3(DOCK2):c.1427A>G (p.Tyr476Cys)

Gene: DOCK2 (dedicator of cytokinesis 2; plus strand). Cytogenetic location: 5q35.1.
Variant type: single nucleotide variant.
Coding change: c.1427A>G on transcript NM_004946.3 (MANE Select); coding-DNA position 1427, A replaced by G.
Protein change: p.Tyr476Cys; replaces tyrosine 476 with cysteine.
Molecular consequence: missense variant. On other transcripts: non-coding transcript variant (1).
Genome position (GRCh38, 1-based): chr5:169,708,212, A>G. VCF-style: chr5-169708212-A-G. GRCh37 (hg19) VCF-style: chr5-169135216-A-G.
Other names: short protein forms Y476C.
Identifiers: ClinVar variation 947151 (VCV000947151.8), dbSNP rs776943921, ClinGen allele CA3553465.

ClinVar aggregate classification (germline): Uncertain significance (1 of 4 stars; one submission).

Conditions:
DOCK2 deficiency. Also called: Immunodeficiency 40. Identifiers: Orphanet 447737, MedGen C4225328, MONDO:0014637, OMIM 616433.

Allele frequency attached by ClinVar (database versions not stated): ExAC 0.00002; gnomAD exomes 0.00002; TOPMed 0.00002.
gnomAD v4.1: 9 of 1,614,020 alleles (0.00056%); highest among the groups gnomAD compares: Admixed American, 0.015%; no homozygotes.

Submission:

Labcorp Genetics (formerly Invitae), Labcorp
Classification: Uncertain significance for DOCK2 deficiency. Last evaluated: 2024-11-30. Review status: criteria provided, single submitter. Criteria: Invitae Variant Classification Sherloc (09022015). Collection method: clinical testing. Allele origin: germline.
Comment: This sequence change replaces tyrosine, which is neutral and polar, with cysteine, which is neutral and slightly polar, at codon 476 of the DOCK2 protein (p.Tyr476Cys). This variant is present in population databases (rs776943921, gnomAD 0.01%). This variant has not been reported in the literature in individuals affected with DOCK2-related conditions. ClinVar contains an entry for this variant (Variation ID: 947151). An algorithm developed to predict the effect of missense changes on protein structure and function (PolyPhen-2) suggests that this variant is likely to be disruptive. In summary, the available evidence is currently insufficient to determine the role of this variant in disease. Therefore, it has been classified as a Variant of Uncertain Significance.